The following is an entry in ClinVar:

NM_006015.6(ARID1A):c.361C>T (p.Pro121Ser)

Gene: ARID1A (AT-rich interaction domain 1A; plus strand). Cytogenetic location: 1p36.11.
Variant type: single nucleotide variant.
Coding change: c.361C>T on transcript NM_006015.6 (MANE Select); coding-DNA position 361, C replaced by T.
Protein change: p.Pro121Ser; replaces proline 121 with serine.
Molecular consequence: missense variant.
Genome position (GRCh38, 1-based): chr1:26,696,764, C>T. VCF-style: chr1-26696764-C-T. GRCh37 (hg19) VCF-style: chr1-27023255-C-T.
Other names: c.361C>T, p.Pro121Ser (NM_139135.4); short protein forms P121S.
Identifiers: ClinVar variation 1347167 (VCV001347167.6), dbSNP rs1469943078, ClinGen allele CA339264956.
Genomic context (GRCh38, chr1:26,696,764, plus strand): 5'-AAGAACTCGAACGGGAACGCGGGCCCTAGGCCCGCCCTGAACAATAACCTCACGGAGCCG[C>T]CCGGCGGCGGCGGTGGCGGCAGCAGCGATGGGGTGGGGGCGCCTCCTCACTCAGCCGCGG-3'
Protein context (NP_006006.3, residues 111-131): PALNNNLTEP[Pro121Ser]GGGGGGSSDG

ClinVar aggregate classification (germline): Uncertain significance (1 of 4 stars; one submission).

gnomAD v4.1: 11 of 1,349,674 alleles (0.00082%); highest among the groups gnomAD compares: Non-Finnish European, 0.001%; no homozygotes.

Submission:

Labcorp Genetics (formerly Invitae), Labcorp
Classification: Uncertain significance. Last evaluated: 2022-07-05. Review status: criteria provided, single submitter. Criteria: Invitae Variant Classification Sherloc (09022015). Collection method: clinical testing. Allele origin: germline.
Comment: In summary, the available evidence is currently insufficient to determine the role of this variant in disease. Therefore, it has been classified as a Variant of Uncertain Significance. This sequence change replaces proline, which is neutral and non-polar, with serine, which is neutral and polar, at codon 121 of the ARID1A protein (p.Pro121Ser). This variant is not present in population databases (gnomAD no frequency). This variant has not been reported in the literature in individuals affected with ARID1A-related conditions. ClinVar contains an entry for this variant (Variation ID: 1347167). Advanced modeling of protein sequence and biophysical properties (such as structural, functional, and spatial information, amino acid conservation, physicochemical variation, residue mobility, and thermodynamic stability) performed at Invitae indicates that this missense variant is not expected to disrupt ARID1A protein function.